The following is an entry in ClinVar:

NM_001170535.3(ATAD3A):c.178_179inv (p.Lys60Leu)

Gene: ATAD3A (ATPase family AAA domain containing 3A; plus strand). Cytogenetic location: 1p36.33.
Variant type: Inversion.
Coding change: c.178_179inv on transcript NM_001170535.3 (MANE Select).
Protein change: p.Lys60Leu; replaces lysine 60 with leucine.
Molecular consequence: missense variant.
Genome position: GRCh38 VCF-style: chr1-1512446-AA-TT. GRCh37 (hg19) VCF-style: chr1-1447826-AA-TT.
Other names: c.178_179inv, p.Lys60Leu (NM_018188.5); short protein forms K60L.
Identifiers: ClinVar variation 3731008 (VCV003731008.1).

ClinVar aggregate classification (germline): Uncertain significance (1 of 4 stars; one submission).

Submission:

GeneDx
Classification: Uncertain significance. Last evaluated: 2024-08-07. Review status: criteria provided, single submitter. Criteria: GeneDx Variant Classification Process June 2021. Collection method: clinical testing. Allele origin: germline. Affected: yes.
Comment: Not observed at significant frequency in large population cohorts (gnomAD); In silico analysis indicates that this variant does not alter protein structure/function; Has not been previously published as pathogenic or benign to our knowledge